The following is an entry in ClinVar:

NM_014363.6(SACS):c.414C>G (p.Tyr138Ter)

Gene: SACS (sacsin molecular chaperone; minus strand). Cytogenetic location: 13q12.12.
Variant type: single nucleotide variant.
Coding change: c.414C>G on transcript NM_014363.6 (MANE Select); coding-DNA position 414, C replaced by G.
Protein change: p.Tyr138Ter; replaces tyrosine 138 with a stop codon.
Molecular consequence: nonsense. On other transcripts: 5 prime UTR variant (1).
Genome position (GRCh38, 1-based): chr13:23,365,209, G>C on the plus strand (C>G on the coding strand, the complement: SACS is on the minus strand). VCF-style: chr13-23365209-G-C. GRCh37 (hg19) VCF-style: chr13-23939348-G-C.
Other names: c.-28C>G (NM_001278055.2); short protein forms Y138*.
Identifiers: ClinVar variation 156343 (VCV000156343.2), dbSNP rs199474695, ClinGen allele CA233202.
Genomic context (GRCh38, chr13:23,365,209, plus strand): 5'-TAATTATTGATTCTTACCCTGATATGGCGCCATATCTTTTGACCAAAGAGTCTCTGTTCC[G>C]TATTGAGTTTCATCATATAAAAATTTAACTTCTGTCGCCCCAGCATCTTCTGCATTCTGA-3'

ClinVar aggregate classification (germline): Pathogenic. Review status: criteria provided, single submitter (1 of 4 stars). 2 submissions from 2 submitters: Pathogenic (1). 1 of the submissions does not count toward it. Last evaluated 2023-08-03.

Conditions:
Charlevoix-Saguenay spastic ataxia (SACS). Also called: Spastic ataxia of Charlevoix-Saguenay; SPASTIC ATAXIA 6, AUTOSOMAL RECESSIVE; AUTOSOMAL RECESSIVE SPASTIC ATAXIA OF CHARLEVOIX-SAGUENAY. Identifiers: Orphanet 98, MedGen C1849140, MONDO:0010041, OMIM 270550.

Submissions (2):

Baylor Genetics
Classification: Pathogenic for Charlevoix-Saguenay spastic ataxia. Last evaluated: 2023-08-03. Review status: criteria provided, single submitter. Criteria: ACMG Guidelines, 2015. Collection method: clinical testing. Allele origin: unknown.

ClinVar Staff, National Center for Biotechnology Information (NCBI)
No classification provided. Review status: no classification provided. Collection method: not provided. Allele origin: germline. Not counted in ClinVar's aggregate classification.